The following is an entry in ClinVar:

NM_000222.3(KIT):c.1921C>G (p.Leu641Val)

Gene: KIT (KIT proto-oncogene, receptor tyrosine kinase; plus strand). Cytogenetic location: 4q12.
Variant type: single nucleotide variant.
Coding change: c.1921C>G on transcript NM_000222.3 (MANE Select); coding-DNA position 1921, C replaced by G.
Protein change: p.Leu641Val; replaces leucine 641 with valine.
Molecular consequence: missense variant.
Genome position (GRCh38, 1-based): chr4:54,728,052, C>G. VCF-style: chr4-54728052-C-G. GRCh37 (hg19) VCF-style: chr4-55594218-C-G.
Other names: c.1909C>G, p.Leu637Val (NM_001093772.2, NM_001385286.1); c.1924C>G, p.Leu642Val (NM_001385284.1, NM_001385290.1); c.1921C>G, p.Leu641Val (NM_001385285.1); c.1912C>G, p.Leu638Val (NM_001385288.1, NM_001385292.1); short protein forms L637V, L642V, L638V, L641V.
Identifiers: ClinVar variation 4719273 (VCV004719273.2).

ClinVar aggregate classification (germline): Uncertain significance. Review status: criteria provided, multiple submitters, no conflicts (2 of 4 stars). 2 submissions from 2 submitters: Uncertain significance (2). Last evaluated 2026-05-14.

Conditions:
Gastrointestinal stromal tumor. Also called: Gastrointestinal stromal tumor, somatic; Gastrointestinal stroma tumor. Identifiers: Orphanet 44890, MedGen C0238198, MeSH D046152, MONDO:0011719, OMIM 606764, HP:0100723.
Hereditary cancer-predisposing syndrome. Also called: Tumor predisposition; Hereditary Cancer Syndrome; Neoplastic Syndromes, Hereditary; Hereditary neoplastic syndrome. Identifiers: Orphanet 140162, MedGen C0027672, MeSH D009386, MONDO:0015356.

Submissions (2):

Ambry Genetics
Classification: Uncertain significance for Hereditary cancer-predisposing syndrome. Last evaluated: 2026-05-14. Review status: criteria provided, single submitter. Criteria: Ambry Variant Classification Scheme 2023. Collection method: clinical testing. Allele origin: germline.
Comment: The p.L641V variant (also known as c.1921C>G), located in coding exon 13 of the KIT gene, results from a C to G substitution at nucleotide position 1921. The leucine at codon 641 is replaced by valine, an amino acid with highly similar properties. This amino acid position is conserved. In addition, this alteration is predicted to be deleterious by in silico analysis. Based on the available evidence, the clinical significance of this variant remains unclear.

Labcorp Genetics (formerly Invitae), Labcorp
Classification: Uncertain significance for Gastrointestinal stromal tumor. Last evaluated: 2025-05-09. Review status: criteria provided, single submitter. Criteria: Invitae Variant Classification Sherloc (09022015). Collection method: clinical testing. Allele origin: germline.
Comment: This sequence change replaces leucine, which is neutral and non-polar, with valine, which is neutral and non-polar, at codon 641 of the KIT protein (p.Leu641Val). This variant is not present in population databases (gnomAD no frequency). This variant has not been reported in the literature in individuals affected with KIT-related conditions. An algorithm developed to predict the effect of missense changes on protein structure and function (PolyPhen-2) suggests that this variant is likely to be disruptive. In summary, the available evidence is currently insufficient to determine the role of this variant in disease. Therefore, it has been classified as a Variant of Uncertain Significance.